The following is an entry in ClinVar:

NM_032444.4(SLX4):c.1379G>T (p.Arg460Leu)

Gene: SLX4 (SLX4 structure-specific endonuclease subunit; minus strand). Cytogenetic location: 16p13.3.
Variant type: single nucleotide variant.
Coding change: c.1379G>T on transcript NM_032444.4 (MANE Select); coding-DNA position 1379, G replaced by T.
Protein change: p.Arg460Leu; replaces arginine 460 with leucine.
Molecular consequence: missense variant.
Genome position (GRCh38, 1-based): chr16:3,597,683, C>A on the plus strand (G>T on the coding strand, the complement: SLX4 is on the minus strand). VCF-style: chr16-3597683-C-A. GRCh37 (hg19) VCF-style: chr16-3647684-C-A.
Other names: c.1379G>T (LRG_503t1); short protein forms R460L.
Identifiers: ClinVar variation 582940 (VCV000582940.10), dbSNP rs369994733, ClinGen allele CA394529187.

ClinVar aggregate classification (germline): Uncertain significance (1 of 4 stars; one submission).

Conditions:
Fanconi anemia (FA). Also called: Fanconi's anemia. Identifiers: Orphanet 84, MedGen C0015625, MeSH D005199, MONDO:0019391.

Allele frequency attached by ClinVar (database versions not stated): TOPMed 0.00001.
gnomAD v4.1: 2 of 1,613,728 alleles (0.00012%); highest among the groups gnomAD compares: Non-Finnish European, 0.00017%; no homozygotes.

Submission:

Labcorp Genetics (formerly Invitae), Labcorp
Classification: Uncertain significance for Fanconi anemia. Last evaluated: 2023-07-17. Review status: criteria provided, single submitter. Criteria: Invitae Variant Classification Sherloc (09022015). Collection method: clinical testing. Allele origin: germline.
Comment: In summary, the available evidence is currently insufficient to determine the role of this variant in disease. Therefore, it has been classified as a Variant of Uncertain Significance. An algorithm developed to predict the effect of missense changes on protein structure and function (PolyPhen-2) suggests that this variant is likely to be disruptive. ClinVar contains an entry for this variant (Variation ID: 582940). This variant has not been reported in the literature in individuals affected with SLX4-related conditions. This variant is not present in population databases (gnomAD no frequency). This sequence change replaces arginine, which is basic and polar, with leucine, which is neutral and non-polar, at codon 460 of the SLX4 protein (p.Arg460Leu).